The following is an entry in ClinVar:

NM_007194.4(CHEK2):c.359del (p.Ser120fs)

Gene: CHEK2 (checkpoint kinase 2; minus strand). Cytogenetic location: 22q12.1.
Variant type: Deletion.
Coding change: c.359del on transcript NM_007194.4 (MANE Select); coding-DNA position 359, one base deleted (G; older notation c.359delG).
Protein change: p.Ser120fs; shifts the reading frame from serine 120.
Molecular consequence: frameshift variant.
Genome position (GRCh38, 1-based): chr22:28,725,328, C deleted on the plus strand (G on the coding strand, the reverse complement: CHEK2 is on the minus strand). VCF-style (leftmost placement, unchanged base first): chr22-28725327-GC-G. GRCh37 (hg19) VCF-style: chr22-29121315-GC-G.
Other names: c.488delG, p.Ser163Thrfs (NM_001005735.3); c.-419delG (NM_001257387.3); c.359delG, p.Ser120Thrfs (NM_001349956.3, NM_145862.3); short protein forms S120fs, S163fs.
Identifiers: ClinVar variation 1073375 (VCV001073375.8), dbSNP rs2146070648, ClinGen allele CA2499226101.

ClinVar aggregate classification (germline): Pathogenic (1 of 4 stars; one submission).

Conditions:
Familial cancer of breast. Also called: Hereditary breast cancer; hereditary breast carcinoma; BREAST CANCER, FAMILIAL. Identifiers: Orphanet 227535, MedGen C0346153, MONDO:0016419, OMIM 114480. Disease mechanism: loss of function.

Submission:

Labcorp Genetics (formerly Invitae), Labcorp
Classification: Pathogenic for Familial cancer of breast. Last evaluated: 2021-04-05. Review status: criteria provided, single submitter. Criteria: Invitae Variant Classification Sherloc (09022015). Collection method: clinical testing. Allele origin: germline.
Comment: For these reasons, this variant has been classified as Pathogenic. Loss-of-function variants in CHEK2 are known to be pathogenic (PMID: 21876083, 24713400). This variant has not been reported in the literature in individuals with CHEK2-related conditions. This variant is not present in population databases (ExAC no frequency). This sequence change creates a premature translational stop signal (p.Ser120Thrfs*11) in the CHEK2 gene. It is expected to result in an absent or disrupted protein product.

Literature cited by the submitters: PubMed 21876083; PubMed 24713400.